The following is an entry in ClinVar:

ClinVar aggregate classification (germline): Pathogenic (1 of 4 stars; one submission).

Conditions:
Familial thoracic aortic aneurysm and aortic dissection (TAAD). Also called: Thoracic aortic aneurysms and dissections. Identifiers: Orphanet 91387, MedGen C4707243, MONDO:0019625.
Marfan syndrome (MFS). Also called: Marfan syndrome type 1; Marfan's syndrome; Marfan syndrome, classic; MARFAN SYNDROME, TYPE I; FBN1-Related Marfan Syndrome. Identifiers: Orphanet 284963, Orphanet 558, MedGen C0024796, MONDO:0007947, OMIM 154700.

Submission:

Labcorp Genetics (formerly Invitae), Labcorp
Classification: Pathogenic for Marfan syndrome; Familial thoracic aortic aneurysm and aortic dissection. Last evaluated: 2020-05-25. Review status: criteria provided, single submitter. Criteria: Invitae Variant Classification Sherloc (09022015). Collection method: clinical testing. Allele origin: germline.
Comment: This variant is not present in population databases (ExAC no frequency). For these reasons, this variant has been classified as Pathogenic. Loss-of-function variants in FBN1 are known to be pathogenic (PMID: 17657824, 19293843). Algorithms developed to predict the effect of sequence changes on RNA splicing suggest that this variant may create or strengthen a splice site, but this prediction has not been confirmed by published transcriptional studies. This variant has not been reported in the literature in individuals with FBN1-related conditions. This sequence change creates a premature translational stop signal (p.Gly2673Argfs*10) in the FBN1 gene. It is expected to result in an absent or disrupted protein product.

Literature cited by the submitters: PubMed 17657824; PubMed 19293843.

NM_000138.5(FBN1):c.8016_8017insAG (p.Gly2673fs)

Gene: FBN1 (fibrillin 1; minus strand). Cytogenetic location: 15q21.1.
Variant type: Insertion.
Coding change: c.8016_8017insAG on transcript NM_000138.5 (MANE Select); coding-DNA positions 8016 to 8017, AG inserted.
Protein change: p.Gly2673fs; shifts the reading frame from glycine 2673.
Molecular consequence: frameshift variant.
Genome position: GRCh38 VCF-style: chr15-48415570-C-CCT. GRCh37 (hg19) VCF-style: chr15-48707767-C-CCT.
Other names: short protein forms G2673fs.
Identifiers: ClinVar variation 1069627 (VCV001069627.7), dbSNP rs2141214595, ClinGen allele CA2499222960.